The following is an entry in ClinVar:

ClinVar aggregate classification (germline): Uncertain significance (1 of 4 stars; one submission).

Conditions:
Angelman syndrome (AS). Also called: HAPPY PUPPET SYNDROME. Identifiers: Orphanet 72, MedGen C0162635, MONDO:0007113, OMIM 105830. Disease mechanism: loss of function. Inheritance: AS is caused by disruption of maternally imprinted UBE3A located within the 15q11.2-q13 Angelman syndrome/Prader-Willi syndrome (AS/PWS) region., imprinting disorder.

Submission:

Labcorp Genetics (formerly Invitae), Labcorp
Classification: Uncertain significance for Angelman syndrome. Last evaluated: 2022-08-09. Review status: criteria provided, single submitter. Criteria: Invitae Variant Classification Sherloc (09022015). Collection method: clinical testing. Allele origin: germline.
Comment: In summary, the available evidence is currently insufficient to determine the role of this variant in disease. Therefore, it has been classified as a Variant of Uncertain Significance. Algorithms developed to predict the effect of missense changes on protein structure and function are either unavailable or do not agree on the potential impact of this missense change (SIFT: "Not Available"; PolyPhen-2: "Benign"; Align-GVGD: "Not Available"). This variant has not been reported in the literature in individuals affected with UBE3A-related conditions. This variant is not present in population databases (gnomAD no frequency). This sequence change replaces threonine, which is neutral and polar, with proline, which is neutral and non-polar, at codon 103 of the UBE3A protein (p.Thr103Pro).

NM_130839.5(UBE3A):c.367A>C (p.Thr123Pro)

Genes: SNHG14 (small nucleolar RNA host gene 14; plus strand), UBE3A (ubiquitin protein ligase E3A; minus strand). Cytogenetic location: 15q11.2.
Variant type: single nucleotide variant.
Coding change: c.367A>C on transcript NM_130839.5 (MANE Select); coding-DNA position 367, A replaced by C.
Protein change: p.Thr123Pro; replaces threonine 123 with proline.
Molecular consequence: missense variant. On other transcripts: non-coding transcript variant (1), intron variant (2).
Genome position (GRCh38, 1-based): chr15:25,371,807, T>G on the plus strand (A>C on the coding strand, the complement: UBE3A is on the minus strand). VCF-style: chr15-25371807-T-G. GRCh37 (hg19) VCF-style: chr15-25616954-T-G.
Other names: c.307A>C, p.Thr103Pro (NM_001354511.2, NM_001354512.2, NM_001354513.2 and 17 more transcripts); c.367A>C, p.Thr123Pro (NM_001354538.2, NM_001354505.1, NM_001354545.2); c.301+3658A>C (NM_001354551.2); c.361+3658A>C (NM_001354550.2); c.376A>C, p.Thr126Pro (NM_000462.5); c.190A>C, p.Thr64Pro (NM_001354546.2); short protein forms T103P, T64P, T123P, T126P.
Identifiers: ClinVar variation 2103092 (VCV002103092.4), dbSNP rs1211073576, ClinGen allele CA391356022.
Genomic context (GRCh38, chr15:25,371,807, plus strand): 5'-AATCCTCTCTTTCTCTACATAATTCAAGAATTTCATATACCTTCTCTTCTGTTAAGTAAG[T>G]CACATCTAGAAAATCAGAGGAAAAAAGAGAACATTTATTTTCATAATATGTATGTTTACT-3'
Protein context (NP_570854.1, residues 113-133): KGARIDFKDV[Thr123Pro]YLTEEKVYEI